The following is an entry in ClinVar:

ClinVar aggregate classification (germline): Pathogenic. Review status: criteria provided, multiple submitters, no conflicts (2 of 4 stars). 2 submissions from 2 submitters: Pathogenic (2). Last evaluated 2025-11-03.

Conditions:
Familial cancer of breast. Also called: BREAST CANCER, FAMILIAL; hereditary breast carcinoma; Hereditary breast cancer. Identifiers: Orphanet 227535, MedGen C0346153, MONDO:0016419, OMIM 114480. Disease mechanism: loss of function.
Fanconi anemia complementation group J. Also called: BRIP1-Related Fanconi Anemia. Identifiers: Orphanet 84, MedGen C1836860, MONDO:0012187, OMIM 609054.

Submissions (2):

Labcorp Genetics (formerly Invitae), Labcorp
Classification: Pathogenic for Familial cancer of breast; Fanconi anemia complementation group J. Last evaluated: 2025-11-03. Review status: criteria provided, single submitter. Criteria: Invitae Variant Classification Sherloc (09022015). Collection method: clinical testing. Allele origin: germline.
Comment: This sequence change creates a premature translational stop signal (p.Val723Serfs*14) in the BRIP1 gene. It is expected to result in an absent or disrupted protein product. Loss-of-function variants in BRIP1 are known to be pathogenic (PMID: 16116423, 17033622, 21964575). This variant is not present in population databases (gnomAD no frequency). This variant has not been reported in the literature in individuals affected with BRIP1-related conditions. ClinVar contains an entry for this variant (Variation ID: 2583382). For these reasons, this variant has been classified as Pathogenic.

Myriad Genetics, Inc.
Classification: Pathogenic for Familial cancer of breast. Last evaluated: 2023-06-06. Review status: criteria provided, single submitter. Criteria: Myriad Autosomal Dominant, Autosomal Recessive and X-Linked Classification Criteria (2023). Collection method: clinical testing. Allele origin: unknown.
Comment: This variant is considered pathogenic. This variant creates a frameshift predicted to result in premature protein truncation.

Literature cited by the submitters: PubMed 16116423 (cited by Labcorp Genetics (formerly Invitae), Labcorp); PubMed 17033622 (cited by Labcorp Genetics (formerly Invitae), Labcorp); PubMed 21964575 (cited by Labcorp Genetics (formerly Invitae), Labcorp).

NM_032043.3(BRIP1):c.2166dup (p.Val723fs)

Gene: BRIP1 (BRCA1 interacting DNA helicase 1; minus strand). Cytogenetic location: 17q23.2.
Variant type: Duplication.
Coding change: c.2166dup on transcript NM_032043.3 (MANE Select); coding-DNA position 2166, one base duplicated (A; older notation c.2166dupA).
Protein change: p.Val723fs; shifts the reading frame from valine 723.
Molecular consequence: frameshift variant.
Genome position (GRCh38, 1-based): chr17:61,744,523, T duplicated on the plus strand (A on the coding strand, the reverse complement: BRIP1 is on the minus strand). VCF-style (leftmost placement, unchanged base first): chr17-61744522-C-CT. GRCh37 (hg19) VCF-style: chr17-59821883-C-CT.
Other names: short protein forms V723fs.
Identifiers: ClinVar variation 2583382 (VCV002583382.3), dbSNP rs2544837899, ClinGen allele CA2582342210.